The following is an entry in ClinVar:

ClinVar aggregate classification (germline): Uncertain significance. Review status: criteria provided, multiple submitters, no conflicts (2 of 4 stars). 2 submissions from 2 submitters: Uncertain significance (2). Last evaluated 2023-05-17.

Allele frequency attached by ClinVar (database versions not stated): TOPMed 0.00005; gnomAD exomes 0.00006 and 0.00010; gnomAD 0.00007 and 0.00008; ExAC 0.00013; ESP Exome Variant Server 0.00023.
gnomAD v4.1: 96 of 1,602,442 alleles (0.006%); highest among the groups gnomAD compares: Middle Eastern, 0.034%; no homozygotes.

Submissions (2):

Ambry Genetics
Classification: Uncertain significance. Last evaluated: 2023-05-17. Review status: criteria provided, single submitter. Criteria: Ambry Variant Classification Scheme 2023. Collection method: clinical testing. Allele origin: germline.

Labcorp Genetics (formerly Invitae), Labcorp
Classification: Uncertain significance. Last evaluated: 2021-06-15. Review status: criteria provided, single submitter. Criteria: Invitae Variant Classification Sherloc (09022015). Collection method: clinical testing. Allele origin: germline.
Comment: This sequence change replaces proline with serine at codon 346 of the ASB10 protein (p.Pro346Ser). The proline residue is highly conserved and there is a moderate physicochemical difference between proline and serine. This variant is present in population databases (rs139613280, ExAC 0.02%), and has an allele count higher than expected for a pathogenic variant (PMID: 28166811). This variant has not been reported in the literature in individuals with ASB10-related conditions. Algorithms developed to predict the effect of missense changes on protein structure and function (SIFT, PolyPhen-2, Align-GVGD) all suggest that this variant is likely to be disruptive, but these predictions have not been confirmed by published functional studies and their clinical significance is uncertain. In summary, the available evidence is currently insufficient to determine the role of this variant in disease. Therefore, it has been classified as a Variant of Uncertain Significance.

Literature cited by the submitters: PubMed 28166811 (cited by Labcorp Genetics (formerly Invitae), Labcorp).

NM_001142459.2(ASB10):c.1036C>T (p.Pro346Ser)

Gene: ASB10 (ankyrin repeat and SOCS box containing 10; minus strand). Cytogenetic location: 7q36.1.
Variant type: single nucleotide variant.
Coding change: c.1036C>T on transcript NM_001142459.2 (MANE Select); coding-DNA position 1036, C replaced by T.
Protein change: p.Pro346Ser; replaces proline 346 with serine.
Molecular consequence: missense variant.
Genome position (GRCh38, 1-based): chr7:151,181,007, G>A on the plus strand (C>T on the coding strand, the complement: ASB10 is on the minus strand). VCF-style: chr7-151181007-G-A. GRCh37 (hg19) VCF-style: chr7-150878094-G-A.
Other names: c.1036C>T (NM_001142459.1); c.1036C>T, p.Pro346Ser (NM_001142460.1); c.991C>T, p.Pro331Ser (NM_080871.4); short protein forms P346S, P331S.
Identifiers: ClinVar variation 1360949 (VCV001360949.9), dbSNP rs139613280, ClinGen allele CA4573702.